The following is an entry in ClinVar:

NM_000062.3(SERPING1):c.620A>G (p.His207Arg)

Gene: SERPING1 (serpin family G member 1; plus strand). Cytogenetic location: 11q12.1.
Variant type: single nucleotide variant.
Coding change: c.620A>G on transcript NM_000062.3 (MANE Select); coding-DNA position 620, A replaced by G.
Protein change: p.His207Arg; replaces histidine 207 with arginine.
Molecular consequence: missense variant.
Genome position (GRCh38, 1-based): chr11:57,602,104, A>G. VCF-style: chr11-57602104-A-G. GRCh37 (hg19) VCF-style: chr11-57369577-A-G.
Other names: c.620A>G, p.His207Arg (NM_001032295.2); short protein forms H207R.
Identifiers: ClinVar variation 3338294 (VCV003338294.2).
Genomic context (GRCh38, chr11:57,602,104, plus strand): 5'-AGAACACCAAAACAAACCTGGAGAGCATCCTCTCTTACCCCAAGGACTTCACCTGTGTCC[A>G]CCAGGCCCTGAAGGGCTTCACGACCAAAGGTGTCACCTCAGTCTCTCAGATCTTCCACAG-3'
Protein context (NP_000053.2, residues 197-217): LSYPKDFTCV[His207Arg]QALKGFTTKG

ClinVar aggregate classification (germline): Likely pathogenic (1 of 4 stars; one submission).

Conditions:
Hereditary angioedema type 1 (HAE1). Identifiers: Orphanet 100050, Orphanet 100051, Orphanet 91378, MedGen C2717906, MONDO:0015053, OMIM 106100.

Submission:

DNA-diagnostics Laboratory, Research Centre For Medical Genetics
Classification: Likely pathogenic for Hereditary angioedema type 1. Last evaluated: 2024-08-10. Review status: criteria provided, single submitter. Criteria: ACMG Guidelines, 2015. Collection method: research. Allele origin: germline. Inheritance: Autosomal dominant inheritance. Affected: yes. Observed: 2 variant alleles, 2 heterozygotes.
Comment: The pathogenic or likely pathogenic SERPING1 gene variants are detected in >90% of the HAE1/2 families and in >80% of the total HAE families (e.g., DOI: 10.1016/j.molimm.2008.05.007, 10.1159/2F000138883, 10.1016/j.molimm.2011.07.010). Such in silico algorithms as BayesDel, MutPred, REVEL support a deleterious effect of this variant with Supporting evidence of pathogenicity, when choosing at least two identical assessments and using the threshold ranges from ClinGen recommendations (DOI: 10.1016/j.ajhg.2022.10.013). According to our observation the c.620A>G variant in SERPING1 meets ACMG/ClinGen SVI guidance criteria to be classified as likely pathogenic: PP4_Str, PM2_Sup, PP1, PP2, PP3